The following is an entry in ClinVar:

ClinVar aggregate classification (germline): Conflicting classifications of pathogenicity. Review status: criteria provided, conflicting classifications (1 of 4 stars). 9 submissions from 9 submitters: Uncertain significance (8); Likely benign (1). Last evaluated 2025-09-06.

Conditions:
Classic or attenuated familial adenomatous polyposis. Identifiers: MedGen CN372698, MONDO:0021057.
Hereditary cancer-predisposing syndrome. Also called: Hereditary neoplastic syndrome; Neoplastic Syndromes, Hereditary; Tumor predisposition; Hereditary Cancer Syndrome. Identifiers: Orphanet 140162, MedGen C0027672, MeSH D009386, MONDO:0015356.
Familial adenomatous polyposis 1 (FAP1). Also called: FAMILIAL ADENOMATOUS POLYPOSIS 1, ATTENUATED; POLYPOSIS, ADENOMATOUS INTESTINAL. Identifiers: MedGen C2713442, MONDO:0021056, OMIM 175100. Disease mechanism: loss of function.
Colorectal cancer, susceptibility to. Identifiers: MedGen C1858438.

Allele frequency attached by ClinVar (database versions not stated): ExAC 0.00001; gnomAD exomes 0.00002; gnomAD 0.00005; TOPMed 0.00014.

Submissions (9):

Labcorp Genetics (formerly Invitae), Labcorp
Classification: Uncertain significance for Familial adenomatous polyposis 1. Last evaluated: 2025-09-06. Review status: criteria provided, single submitter. Criteria: Invitae Variant Classification Sherloc (09022015). Collection method: clinical testing. Allele origin: germline.
Comment: This sequence change replaces alanine, which is neutral and non-polar, with valine, which is neutral and non-polar, at codon 1475 of the APC protein (p.Ala1475Val). This variant is present in population databases (rs375380414, gnomAD 0.01%). This missense change has been observed in individual(s) with a personal and/or family history of cancer and polyposis and colon cancer (PMID: 26845104, 28717660). ClinVar contains an entry for this variant (Variation ID: 186197). Invitae Evidence Modeling of protein sequence and biophysical properties (such as structural, functional, and spatial information, amino acid conservation, physicochemical variation, residue mobility, and thermodynamic stability) indicates that this missense variant is not expected to disrupt APC protein function with a negative predictive value of 95%. In summary, the available evidence is currently insufficient to determine the role of this variant in disease. Therefore, it has been classified as a Variant of Uncertain Significance.

GeneDx
Classification: Uncertain significance. Last evaluated: 2025-06-11. Review status: criteria provided, single submitter. Criteria: GeneDx Variant Classification Process June 2021. Collection method: clinical testing. Allele origin: germline. Affected: yes.
Comment: Observed in an individual with a colon cancer and polyposis (PMID: 28717660); In silico analysis suggests that this missense variant does not alter protein structure/function; Not observed at significant frequency in large population cohorts (gnomAD); This variant is associated with the following publications: (PMID: 28717660, 26845104, 18199528)

All of Us Research Program, National Institutes of Health
Classification: Uncertain significance for Classic or attenuated familial adenomatous polyposis. Last evaluated: 2024-07-02. Review status: criteria provided, single submitter. Criteria: ACMG Guidelines, 2015. Collection method: clinical testing. Allele origin: germline. Inheritance: Autosomal dominant inheritance. Observed: 12 variant alleles, 12 heterozygotes.
Comment: This missense variant replaces alanine with valine at codon 1475 of the APC protein. Computational prediction suggests that this variant may not impact protein structure and function (internally defined REVEL score threshold <= 0.5, PMID: 27666373). To our knowledge, functional studies have not been reported for this variant. This variant has been reported in an individual affected with polyposis and colon cancer (PMID: 26845104). This variant has been identified in 5/251072 chromosomes in the general population by the Genome Aggregation Database (gnomAD). The available evidence is insufficient to determine the role of this variant in disease conclusively. Therefore, this variant is classified as a Variant of Uncertain Significance.

This study involves interpretation of variants in research participants for the purpose of population health screening. Participant phenotype was not available at the time of variant classification. Additional details can be found in publication PMID: 35346344, PMCID: PMC8962531

Color Diagnostics, LLC DBA Color Health
Classification: Uncertain significance for Hereditary cancer-predisposing syndrome. Last evaluated: 2024-05-08. Review status: criteria provided, single submitter. Criteria: ACMG Guidelines, 2015. Collection method: clinical testing. Allele origin: germline.
Comment: This missense variant replaces alanine with valine at codon 1475 of the APC protein. Computational prediction suggests that this variant may not impact protein structure and function (internally defined REVEL score threshold <= 0.5, PMID: 27666373). To our knowledge, functional studies have not been reported for this variant. This variant has been reported in an individual affected with polyposis and colon cancer (PMID: 26845104). This variant has been identified in 5/251072 chromosomes in the general population by the Genome Aggregation Database (gnomAD). The available evidence is insufficient to determine the role of this variant in disease conclusively. Therefore, this variant is classified as a Variant of Uncertain Significance.

Quest Diagnostics Nichols Institute San Juan Capistrano
Classification: Uncertain significance. Last evaluated: 2023-12-29. Review status: criteria provided, single submitter. Criteria: Quest Diagnostics criteria. Collection method: clinical testing. Allele origin: unknown.
Comment: The APC c.4424C>T (p.Ala1475Val) variant has been reported in the published literature in an individual with colon cancer and polyposis (PMID: 26845104 (2016)), as well as in an individual with a personal and/or family history of cancer (PMID: 28717660 (2017)). The frequency of this variant in the general population, 0.00012 (4/34564 chromosomes in Admixed American subpopulation (Genome Aggregation Database)), is higher than would generally be expected for pathogenic variants in this gene. Analysis of this variant using bioinformatics tools for the prediction of the effect of amino acid changes on protein structure and function yielded predictions that this variant is damaging. Based on the available information, we are unable to determine the clinical significance of this variant.

Baylor Genetics
Classification: Uncertain significance for Familial adenomatous polyposis 1. Last evaluated: 2023-10-09. Review status: criteria provided, single submitter. Criteria: ACMG Guidelines, 2015. Collection method: clinical testing. Allele origin: unknown.

Ambry Genetics
Classification: Likely benign for Hereditary cancer-predisposing syndrome. Last evaluated: 2023-03-30. Review status: criteria provided, single submitter. Criteria: Ambry Variant Classification Scheme 2023. Collection method: clinical testing. Allele origin: germline.

Laboratory for Molecular Medicine, Mass General Brigham Personalized Medicine
Classification: Uncertain significance. Last evaluated: 2017-02-25. Review status: criteria provided, single submitter. Criteria: LMM Criteria. Collection method: clinical testing. Allele origin: germline. Observed: 1 variant allele.
Comment: The p.Ala1475Val variant in APC has been reported in one individual with colorec tal cancer (Shirts 2016) and has also been reported in ClinVar (Variation ID 186 197). This variant has also been identified in 1/66712 of European chromosomes b y the Exome Aggregation Consortium (ExAC; dbSNP rs375380414). Computational prediction tools and conservation analysis do not pr ovide strong support for or against an impact to the protein. In summary, the cl inical significance of the p.Ala1475Val variant is uncertain.

University of Washington Department of Laboratory Medicine, University of Washington
Classification: Uncertain significance for Colorectal cancer, susceptibility to. Last evaluated: 2015-11-20. Review status: criteria provided, single submitter. Criteria: Shirts et al. (Genet Med 2016). Collection method: clinical testing. Allele origin: germline. Affected: yes. Observed: 1 variant allele.

Literature cited by the submitters: PubMed 26845104 (cited by 6 submitters); PubMed 28717660 (cited by 3 submitters); PubMed 18844223 (cited by Quest Diagnostics Nichols Institute San Juan Capistrano); PubMed 21859464 (cited by Quest Diagnostics Nichols Institute San Juan Capistrano).

NM_000038.6(APC):c.4424C>T (p.Ala1475Val)

Gene: APC (APC regulator of Wnt signaling pathway; plus strand). Cytogenetic location: 5q22.2.
Variant type: single nucleotide variant.
Coding change: c.4424C>T on transcript NM_000038.6 (MANE Select); coding-DNA position 4424, C replaced by T.
Protein change: p.Ala1475Val; replaces alanine 1475 with valine.
Molecular consequence: missense variant.
Genome position (GRCh38, 1-based): chr5:112,840,018, C>T. VCF-style: chr5-112840018-C-T. GRCh37 (hg19) VCF-style: chr5-112175715-C-T.
Other names: c.4424C>T, p.Ala1475Val (NM_001127510.3, NM_001354895.2); c.4370C>T, p.Ala1457Val (NM_001127511.3); c.4478C>T, p.Ala1493Val (NM_001354896.2); c.4454C>T, p.Ala1485Val (NM_001354897.2); c.4349C>T, p.Ala1450Val (NM_001354898.2); c.4340C>T, p.Ala1447Val (NM_001354899.2); c.4301C>T, p.Ala1434Val (NM_001354900.2); c.4247C>T, p.Ala1416Val (NM_001354901.2); and 5 more; short protein forms A1457V, A1475V, A1349V, A1315V, A1434V, A1485V, A1493V, A1192V.
Identifiers: ClinVar variation 186197 (VCV000186197.49), dbSNP rs375380414, ClinGen allele CA009538.